The following is an entry in ClinVar:

Conditions:
Severe myoclonic epilepsy in infancy (DRVT). Also called: Epileptic encephalopathy, early infantile, 6 (Dravet syndrome); Dravet syndrome; SEVERE MYOCLONIC EPILEPSY OF INFANCY; DEVELOPMENTAL AND EPILEPTIC ENCEPHALOPATHY 6A; Severe Myoclonic Epilepsy in Infancy (SMEI). Identifiers: Orphanet 33069, MedGen C0751122, MONDO:0100135, OMIM 607208.

Submission:

Channelopathy-Associated Epilepsy Research Center
No classification provided (evidence only). Condition: Severe myoclonic epilepsy in infancy. Review status: no classification provided. Collection method: literature only. Allele origin: not applicable. Functional consequence: Severe decrease in peak current, Severe depolarizing shift of voltage dependence of activation, Normal slope of activation, Severe hyperpolarizing shift of voltage dependence of fast inactivation, Normal slope of fast inactivation, Normal persistent current, Mild-moderate slowing of recovery from fast inactivation, Overall loss-of-function effect with respect to biophysical channel activity.
ClinVar note: "not provided" was previously submitted as the classification for the variant. However, the classification appeared to be based only on an observation of functional data so it was converted to no classification on 2025-07-30.

Literature cited by the submitters: PubMed 32581296.

NM_001165963.4(SCN1A):c.2726T>A (p.Met909Lys)

Gene: SCN1A (sodium voltage-gated channel alpha subunit 1; minus strand). Cytogenetic location: 2q24.3.
Variant type: single nucleotide variant.
Coding change: c.2726T>A on transcript NM_001165963.4 (MANE Select); coding-DNA position 2726, T replaced by A.
Protein change: p.Met909Lys; replaces methionine 909 with lysine.
Molecular consequence: missense variant. On other transcripts: non-coding transcript variant (1).
Genome position (GRCh38, 1-based): chr2:166,037,996, A>T on the plus strand (T>A on the coding strand, the complement: SCN1A is on the minus strand). VCF-style: chr2-166037996-A-T. GRCh37 (hg19) VCF-style: chr2-166894506-A-T.
Other names: c.2642T>A, p.Met881Lys (NM_001165964.3, NM_001353957.2, NM_001353958.2); c.2726T>A, p.Met909Lys (NM_001202435.3, NM_001353948.2); c.2693T>A, p.Met898Lys (NM_001353949.2, NM_001353950.2, NM_001353951.2 and 2 more transcripts); c.2690T>A, p.Met897Lys (NM_001353954.2, NM_001353955.2); c.2639T>A, p.Met880Lys (NM_001353960.2); c.284T>A, p.Met95Lys (NM_001353961.2); short protein forms M880K, M881K, M897K, M898K, M909K, M95K.
Identifiers: ClinVar variation 3067159 (VCV003067159.2), dbSNP rs1559200116, ClinGen allele CA349061517.
Genomic context (GRCh38, chr2:166,037,996, plus strand): 5'-AGTTGACAATCACTGGCGATCTTGCAGACACAATCTTTGTAGCTTTTACCAAAGAGCTGC[A>T]TGCCGACCACGGCAAAAATGAAGACGATGATGGCCAAGACGAGGGTTAAATTTCCCAGAG-3'
Protein context (NP_001159435.1, residues 899-919): IIVFIFAVVG[Met909Lys]QLFGKSYKDC